The following is an entry in ClinVar:

NM_170606.3(KMT2C):c.5669G>A (p.Arg1890Gln)

Gene: KMT2C (lysine methyltransferase 2C; minus strand). Cytogenetic location: 7q36.1.
Variant type: single nucleotide variant.
Coding change: c.5669G>A on transcript NM_170606.3 (MANE Select); coding-DNA position 5669, G replaced by A.
Protein change: p.Arg1890Gln; replaces arginine 1890 with glutamine.
Molecular consequence: missense variant.
Genome position (GRCh38, 1-based): chr7:152,182,191, C>T on the plus strand (G>A on the coding strand, the complement: KMT2C is on the minus strand). VCF-style: chr7-152182191-C-T. GRCh37 (hg19) VCF-style: chr7-151879276-C-T.
Other names: short protein forms R1890Q.
Identifiers: ClinVar variation 2907884 (VCV002907884.9), dbSNP rs146455116, ClinGen allele CA4580210.

ClinVar aggregate classification (germline): Benign/Likely benign. Review status: criteria provided, multiple submitters, no conflicts (2 of 4 stars). 2 submissions from 2 submitters: Benign (1); Likely benign (1). Last evaluated 2025-11-01.

Allele frequency attached by ClinVar (database versions not stated): ExAC 0.00002; gnomAD exomes 0.00007; gnomAD 0.00009; TOPMed 0.00010; ESP Exome Variant Server 0.00038.
gnomAD v4.1: 115 of 1,613,826 alleles (0.0071%); highest among the groups gnomAD compares: African/African-American, 0.031%; no homozygotes.

Submissions (2):

CeGaT Center for Human Genetics Tuebingen
Classification: Likely benign. Last evaluated: 2025-11-01. Review status: criteria provided, single submitter. Criteria: CeGaT Center For Human Genetics Tuebingen Variant Classification Criteria Version 2. Collection method: clinical testing. Allele origin: germline. Affected: yes. Observed: 1 variant allele.
Comment: KMT2C: BP4, BS1:Supporting

Labcorp Genetics (formerly Invitae), Labcorp
Classification: Benign. Last evaluated: 2023-07-13. Review status: criteria provided, single submitter. Criteria: Invitae Variant Classification Sherloc (09022015). Collection method: clinical testing. Allele origin: germline.